The following is an entry in ClinVar:

NM_020911.2(PLXNA4):c.5655A>C (p.Gln1885His)

Gene: PLXNA4 (plexin A4; minus strand). Cytogenetic location: 7q32.3.
Variant type: single nucleotide variant.
Coding change: c.5655A>C on transcript NM_020911.2 (MANE Select); coding-DNA position 5655, A replaced by C.
Protein change: p.Gln1885His; replaces glutamine 1885 with histidine.
Molecular consequence: missense variant.
Genome position (GRCh38, 1-based): chr7:132,130,509, T>G on the plus strand (A>C on the coding strand, the complement: PLXNA4 is on the minus strand). VCF-style: chr7-132130509-T-G. GRCh37 (hg19) VCF-style: chr7-131815268-T-G.
Other names: c.5655A>C, p.Gln1885His (NM_001393897.1); short protein forms Q1885H.
Identifiers: ClinVar variation 4982237 (VCV004982237.1).

ClinVar aggregate classification (germline): Uncertain significance (1 of 4 stars; one submission).

Conditions:
PLXNA4-related disorder. Also called: PLXNA4-related condition.

gnomAD v4.1: 3 of 1,614,188 alleles (0.00019%); highest among the groups gnomAD compares: Admixed American, 0.0033%; no homozygotes.

Submission:

PreventionGenetics, part of Exact Sciences
Classification: Uncertain significance for PLXNA4-related condition. Last evaluated: 2024-12-03. Review status: criteria provided, single submitter. Criteria: ACMG Guidelines, 2015. Collection method: clinical testing. Allele origin: germline.
Comment: The PLXNA4 c.5655A>C variant is predicted to result in the amino acid substitution p.Gln1885His. To our knowledge, this variant has not been reported in the literature. This variant is reported in 0.0058% of alleles in individuals of Latino descent in gnomAD. At this time, the clinical significance of this variant is uncertain due to the absence of conclusive functional and genetic evidence.